The following is an entry in ClinVar:

ClinVar aggregate classification (germline): Uncertain significance (1 of 4 stars; one submission).

Allele frequency attached by ClinVar (database versions not stated): gnomAD exomes below 0.00001.

Submission:

Ambry Genetics
Classification: Uncertain significance. Last evaluated: 2023-08-01. Review status: criteria provided, single submitter. Criteria: Ambry Variant Classification Scheme 2023. Collection method: clinical testing. Allele origin: germline.
Comment: The p.G195E variant (also known as c.584G>A), located in coding exon 3 of the ALPK2 gene, results from a G to A substitution at nucleotide position 584. The glycine at codon 195 is replaced by glutamic acid, an amino acid with similar properties. This amino acid position is conserved. In addition, this alteration is predicted to be tolerated by in silico analysis. Since supporting evidence is limited at this time, the clinical significance of this alteration remains unclear.

NM_052947.4(ALPK2):c.584G>A (p.Gly195Glu)

Gene: ALPK2 (alpha kinase 2; minus strand). Cytogenetic location: 18q21.31.
Variant type: single nucleotide variant.
Coding change: c.584G>A on transcript NM_052947.4 (MANE Select); coding-DNA position 584, G replaced by A.
Protein change: p.Gly195Glu; replaces glycine 195 with glutamic acid.
Molecular consequence: missense variant.
Genome position (GRCh38, 1-based): chr18:58,580,192, C>T on the plus strand (G>A on the coding strand, the complement: ALPK2 is on the minus strand). VCF-style: chr18-58580192-C-T. GRCh37 (hg19) VCF-style: chr18-56247424-C-T.
Other names: short protein forms G195E.
Identifiers: ClinVar variation 2626015 (VCV002626015.2), dbSNP rs2518900070, ClinGen allele CA402567661.
Genomic context (GRCh38, chr18:58,580,192, plus strand): 5'-AACCCATTTGCAATTTCTTCTGTGTTACTTGGATCATAAGCCTCTCCAGTGTGCCTTGTT[C>T]CTTTAACACCCAAAGGATTTTCAGAACTGGACACACTAATGTCAAGATTGCCCAATGACT-3'
Protein context (NP_443179.3, residues 185-205): SSSENPLGVK[Gly195Glu]TRHTGEAYDP